The following is an entry in ClinVar:

ClinVar aggregate classification (germline): Benign (0 of 4 stars; one submission).

Conditions:
CAPN12-related disorder. Also called: CAPN12-related condition.

Allele frequency attached by ClinVar (database versions not stated): TOPMed 0.00033; 1000 Genomes Project 30x 0.00156.
gnomAD v4.1: 193 of 1,464,438 alleles (0.013%); highest among the groups gnomAD compares: East Asian, 0.46%; 4 homozygotes.

Submission:

PreventionGenetics, part of Exact Sciences
Classification: Benign for CAPN12-related condition. Last evaluated: 2019-03-13. Review status: no assertion criteria provided. Collection method: clinical testing. Allele origin: germline.
Comment: This variant is classified as benign based on ACMG/AMP sequence variant interpretation guidelines (Richards et al. 2015 PMID: 25741868, with internal and published modifications).

NM_144691.4(CAPN12):c.1433C>G (p.Ala478Gly)

Genes: CAPN12 (calpain 12; minus strand), LOC130064372 (ATAC-STARR-seq lymphoblastoid silent region 10581; plus strand). Cytogenetic location: 19q13.2.
Variant type: single nucleotide variant.
Coding change: c.1433C>G on transcript NM_144691.4 (MANE Select); coding-DNA position 1433, C replaced by G.
Protein change: p.Ala478Gly; replaces alanine 478 with glycine.
Molecular consequence: missense variant.
Genome position (GRCh38, 1-based): chr19:38,736,260, G>C on the plus strand (C>G on the coding strand, the complement: CAPN12 is on the minus strand). VCF-style: chr19-38736260-G-C. GRCh37 (hg19) VCF-style: chr19-39226900-G-C.
Other names: short protein forms A478G.
Identifiers: ClinVar variation 3051771 (VCV003051771.2), dbSNP rs371768110, ClinGen allele CA9418717.
Genomic context (GRCh38, chr19:38,736,260, plus strand): 5'-CCTGGACGCAGGCAGCAGCGGCGGGTCACGTCGCGGCGGGCGCTGAGGGGCGAGCGGTCG[G>C]CGCGCAGCAGCCGGGGCAGGAGCGCATGGCTGCGCGGGGAATCCCAGAGGCCCAGCAGCT-3'
Protein context (NP_653292.2, residues 468-488): SHALLPRLLR[Ala478Gly]DRSPLSARRD